The following is an entry in ClinVar:

NM_001379200.1(TBX1):c.390C>G (p.Asp130Glu)

Gene: TBX1 (T-box transcription factor 1; plus strand). Cytogenetic location: 22q11.21.
Variant type: single nucleotide variant.
Coding change: c.390C>G on transcript NM_001379200.1 (MANE Select); coding-DNA position 390, C replaced by G.
Protein change: p.Asp130Glu; replaces aspartic acid 130 with glutamic acid.
Molecular consequence: missense variant.
Genome position (GRCh38, 1-based): chr22:19,761,233, C>G. VCF-style: chr22-19761233-C-G. GRCh37 (hg19) VCF-style: chr22-19748756-C-G.
Other names: c.363C>G, p.Asp121Glu (NM_005992.1, NM_080646.2, NM_080647.1); short protein forms D121E, D130E.
Identifiers: ClinVar variation 964014 (VCV000964014.9), dbSNP rs772419022, ClinGen allele CA410681760.
Genomic context (GRCh38, chr22:19,761,233, plus strand): 5'-GAAGAAGAACGCGAAGGTGGCCGGTGTGAGCGTGCAGCTAGAGATGAAGGCGCTGTGGGA[C>G]GAGTTCAACCAGCTGGGCACCGAGATGATCGTCACCAAGGCCGGCAGGTCAGGGCGCCCC-3'
Protein context (NP_001366129.1, residues 120-140): SVQLEMKALW[Asp130Glu]EFNQLGTEMI

ClinVar aggregate classification (germline): Uncertain significance (1 of 4 stars; one submission).

Conditions:
DiGeorge syndrome. Also called: THIRD AND FOURTH PHARYNGEAL POUCH SYNDROME; Catch22. Identifiers: Orphanet 567, MedGen C0012236, MONDO:0008564, OMIM 188400.

Submission:

Labcorp Genetics (formerly Invitae), Labcorp
Classification: Uncertain significance for DiGeorge syndrome. Last evaluated: 2025-12-21. Review status: criteria provided, single submitter. Criteria: Invitae Variant Classification Sherloc (09022015). Collection method: clinical testing. Allele origin: germline.
Comment: This sequence change replaces aspartic acid, which is acidic and polar, with glutamic acid, which is acidic and polar, at codon 121 of the TBX1 protein (p.Asp121Glu). This variant is not present in population databases (gnomAD no frequency). This variant has not been reported in the literature in individuals affected with TBX1-related conditions. ClinVar contains an entry for this variant (Variation ID: 964014). Invitae Evidence Modeling of protein sequence and biophysical properties (such as structural, functional, and spatial information, amino acid conservation, physicochemical variation, residue mobility, and thermodynamic stability) indicates that this missense variant is not expected to disrupt TBX1 protein function with a negative predictive value of 80%. In summary, the available evidence is currently insufficient to determine the role of this variant in disease. Therefore, it has been classified as a Variant of Uncertain Significance.